The following is an entry in ClinVar:

NM_001256071.3(RNF213):c.6305G>C (p.Arg2102Thr)

Gene: RNF213 (ring finger protein 213; plus strand). Cytogenetic location: 17q25.3.
Variant type: single nucleotide variant.
Coding change: c.6305G>C on transcript NM_001256071.3 (MANE Select); coding-DNA position 6305, G replaced by C.
Protein change: p.Arg2102Thr; replaces arginine 2102 with threonine.
Molecular consequence: missense variant.
Genome position (GRCh38, 1-based): chr17:80,343,978, G>C. VCF-style: chr17-80343978-G-C. GRCh37 (hg19) VCF-style: chr17-78317778-G-C.
Other names: c.6452G>C, p.Arg2151Thr (NM_001410195.1, NM_020914.5); short protein forms R2102T, R2151T.
Identifiers: ClinVar variation 3389466 (VCV003389466.14).

ClinVar aggregate classification (germline): Uncertain significance (1 of 4 stars; one submission).

Submission:

CeGaT Center for Human Genetics Tuebingen
Classification: Uncertain significance. Last evaluated: 2024-10-01. Review status: criteria provided, single submitter. Criteria: CeGaT Center For Human Genetics Tuebingen Variant Classification Criteria Version 2. Collection method: clinical testing. Allele origin: germline. Affected: yes. Observed: 1 variant allele.
Comment: RNF213: PM2, BP4